The following is an entry in ClinVar:

NM_030958.3(SLCO5A1):c.1782+3G>A

Gene: SLCO5A1 (solute carrier organic anion transporter family member 5A1; minus strand). Cytogenetic location: 8q13.3.
Variant type: single nucleotide variant.
Coding change: c.1782+3G>A on transcript NM_030958.3 (MANE Select); 3 bases into the intron after coding-DNA position 1782, G replaced by A.
Molecular consequence: intron variant.
Genome position (GRCh38, 1-based): chr8:69,682,181, C>T on the plus strand (G>A on the coding strand, the complement: SLCO5A1 is on the minus strand). VCF-style: chr8-69682181-C-T. GRCh37 (hg19) VCF-style: chr8-70594416-C-T.
Other names: c.1782+3G>A (NM_001146008.2); c.1617+3G>A (NM_001146009.1).
Identifiers: ClinVar variation 4781279 (VCV004781279.1).
Genomic context (GRCh38, chr8:69,682,181, plus strand): 5'-TTCATCACATCCTTGTCACAGGATGTTGGACTAACAGAAGAGGAACTTGTGAAATATACT[C>T]ACCCCAGTGCTAAGATTACCACTATTAACACAGCCAGCCAGACAAGGGTTAAAGTATGTA-3'

ClinVar aggregate classification (germline): Uncertain significance (1 of 4 stars; one submission).

gnomAD v4.1: 5 of 1,603,856 alleles (0.00031%); highest among the groups gnomAD compares: Non-Finnish European, 0.00043%; no homozygotes.

Submission:

Labcorp Genetics (formerly Invitae), Labcorp
Classification: Uncertain significance. Last evaluated: 2026-01-17. Review status: criteria provided, single submitter. Criteria: Invitae Variant Classification Sherloc (09022015). Collection method: clinical testing. Allele origin: germline.
Comment: This sequence change falls in intron 7 of the SLCO5A1 gene. It does not directly change the encoded amino acid sequence of the SLCO5A1 protein. It affects a nucleotide within the consensus splice site. This variant is present in population databases (rs757355142, gnomAD 0.0009%). This variant has not been reported in the literature in individuals affected with SLCO5A1-related conditions. Variants that disrupt the consensus splice site are a relatively common cause of aberrant splicing (PMID: 17576681, 9536098). Algorithms developed to predict the effect of sequence changes on RNA splicing suggest that this variant is not likely to affect RNA splicing. In summary, the available evidence is currently insufficient to determine the role of this variant in disease. Therefore, it has been classified as a Variant of Uncertain Significance.

Literature cited by the submitters: PubMed 17576681; PubMed 9536098.